The following is an entry in ClinVar:

NM_001077365.2(POMT1):c.305G>C (p.Trp102Ser)

Gene: POMT1 (protein O-mannosyltransferase 1; plus strand). Cytogenetic location: 9q34.13.
Variant type: single nucleotide variant.
Coding change: c.305G>C on transcript NM_001077365.2 (MANE Select); coding-DNA position 305, G replaced by C.
Protein change: p.Trp102Ser; replaces tryptophan 102 with serine.
Molecular consequence: missense variant. On other transcripts: 5 prime UTR variant (5), non-coding transcript variant (9), intron variant (3).
Genome position (GRCh38, 1-based): chr9:131,507,392, G>C. VCF-style: chr9-131507392-G-C. GRCh37 (hg19) VCF-style: chr9-134382779-G-C.
Other names: c.143G>C, p.Trp48Ser (NM_001077366.2, NM_001353194.2, NM_001353197.2 and 3 more transcripts); c.305G>C, p.Trp102Ser (NM_001136113.2, NM_001353193.2, NM_001374690.1 and 1 more transcripts); c.-47G>C (NM_001136114.2, NM_001353195.2, NM_001353199.2 and 2 more transcripts); c.215G>C, p.Trp72Ser (NM_001353196.2); c.-29-1519G>C (NM_001374695.1); c.-710+939G>C (NM_001411024.1); c.-30+939G>C (NM_001353200.2); short protein forms W102S, W48S, W72S.
Identifiers: ClinVar variation 2663325 (VCV002663325.1), dbSNP rs2539079279, ClinGen allele CA375306208.
Genomic context (GRCh38, chr9:131,507,392, plus strand): 5'-AGTGTAGTCAGCTCTGCAGTGTGGTTGCTTTTCCAGAATACAGTAGCAACGTGCCTGTGT[G>C]GTCCCTGCGCCTGCTGCCAGCACTCGCGGGGGCCTTGTCGGTCCCCATGGCCTACCAGAT-3'
Protein context (NP_001070833.1, residues 92-112): GAEYSSNVPV[Trp102Ser]SLRLLPALAG

ClinVar aggregate classification (germline): Uncertain significance (1 of 4 stars; one submission).

Submission:

GeneDx
Classification: Uncertain significance. Last evaluated: 2023-05-08. Review status: criteria provided, single submitter. Criteria: GeneDx Variant Classification Process June 2021. Collection method: clinical testing. Allele origin: germline. Affected: yes.
Comment: Not observed at significant frequency in large population cohorts (gnomAD); In silico analysis supports that this missense variant has a deleterious effect on protein structure/function; Has not been previously published as pathogenic or benign to our knowledge; This variant is associated with the following publications: (PMID: 22549409)